The following is an entry in ClinVar:

ClinVar aggregate classification (germline): Likely benign. Review status: criteria provided, multiple submitters, no conflicts (2 of 4 stars). 2 submissions from 2 submitters: Likely benign (2). Last evaluated 2022-11-01.

Conditions:
Cornelia de Lange syndrome 5 (CDLS5). Also called: HDAC8-Related Cornelia de Lange Syndrome. Identifiers: Orphanet 199, MedGen C3550903, MONDO:0010471, OMIM 300882.

Allele frequency attached by ClinVar (database versions not stated): ExAC 0.00001; gnomAD 0.00002; TOPMed 0.00002; gnomAD exomes 0.00003; ESP Exome Variant Server 0.00009.
gnomAD v4.1: 34 of 1,197,745 alleles (0.0028%); highest among the groups gnomAD compares: Non-Finnish European, 0.0034%; no homozygotes.

Submissions (2):

Labcorp Genetics (formerly Invitae), Labcorp
Classification: Likely benign for Cornelia de Lange syndrome 5. Last evaluated: 2022-11-01. Review status: criteria provided, single submitter. Criteria: Invitae Variant Classification Sherloc (09022015). Collection method: clinical testing. Allele origin: germline.

CeGaT Center for Human Genetics Tuebingen
Classification: Likely benign. Last evaluated: 2022-08-01. Review status: criteria provided, single submitter. Criteria: CeGaT Center For Human Genetics Tuebingen Variant Classification Criteria Version 2. Collection method: clinical testing. Allele origin: germline. Affected: yes. Observed: 2 variant alleles.
Comment: HDAC8: BP4, BP7

NM_018486.3(HDAC8):c.756C>T (p.Tyr252=)

Gene: HDAC8 (histone deacetylase 8; minus strand). Cytogenetic location: Xq13.1.
Variant type: single nucleotide variant.
Coding change: c.756C>T on transcript NM_018486.3 (MANE Select); coding-DNA position 756, C replaced by T.
Protein change: p.Tyr252=; no amino-acid change (tyrosine 252 retained).
Molecular consequence: synonymous variant. On other transcripts: non-coding transcript variant (1).
Genome position (GRCh38, 1-based): chrX:72,464,713, G>A on the plus strand (C>T on the coding strand, the complement: HDAC8 is on the minus strand). VCF-style: chrX-72464713-G-A. GRCh37 (hg19) VCF-style: chrX-71684563-G-A.
Other names: c.483C>T, p.Tyr161= (NM_001166418.2).
Identifiers: ClinVar variation 1176311 (VCV001176311.40), dbSNP rs368682006, ClinGen allele CA10450150.